The following is an entry in ClinVar:

ClinVar aggregate classification (germline): Uncertain significance (1 of 4 stars; one submission).

Conditions:
Hereditary cancer-predisposing syndrome. Also called: Neoplastic Syndromes, Hereditary; Tumor predisposition; Hereditary Cancer Syndrome; Hereditary neoplastic syndrome. Identifiers: Orphanet 140162, MedGen C0027672, MeSH D009386, MONDO:0015356.

gnomAD v4.1: 2 of 1,613,152 alleles (0.00012%); highest among the groups gnomAD compares: African/African-American, 0.0027%; no homozygotes.

Submission:

Ambry Genetics
Classification: Uncertain significance for Hereditary cancer-predisposing syndrome. Last evaluated: 2022-03-04. Review status: criteria provided, single submitter. Criteria: Ambry Variant Classification Scheme 2023. Collection method: clinical testing. Allele origin: germline.
Comment: The p.R305G variant (also known as c.913C>G), located in coding exon 8 of the MRE11A gene, results from a C to G substitution at nucleotide position 913. The arginine at codon 305 is replaced by glycine, an amino acid with dissimilar properties. This amino acid position is conserved. In addition, this alteration is predicted to be deleterious by in silico analysis. Since supporting evidence is limited at this time, the clinical significance of this alteration remains unclear.

NM_005591.4(MRE11):c.913C>G (p.Arg305Gly)

Gene: MRE11 (MRE11 double strand break repair nuclease; minus strand). Cytogenetic location: 11q21.
Variant type: single nucleotide variant.
Coding change: c.913C>G on transcript NM_005591.4 (MANE Select); coding-DNA position 913, C replaced by G.
Protein change: p.Arg305Gly; replaces arginine 305 with glycine.
Molecular consequence: missense variant.
Genome position (GRCh38, 1-based): chr11:94,470,575, G>C on the plus strand (C>G on the coding strand, the complement: MRE11 is on the minus strand). VCF-style: chr11-94470575-G-C. GRCh37 (hg19) VCF-style: chr11-94203741-G-C.
Other names: c.913C>G, p.Arg305Gly (NM_001330347.2, NM_005590.4); short protein forms R305G.
Identifiers: ClinVar variation 1800204 (VCV001800204.2), dbSNP rs372000848, ClinGen allele CA382374493.